The following is an entry in ClinVar:

NM_021167.5(GATAD1):c.503C>G (p.Ala168Gly)

Gene: GATAD1 (GATA zinc finger domain containing 1; plus strand). Cytogenetic location: 7q21.2.
Variant type: single nucleotide variant.
Coding change: c.503C>G on transcript NM_021167.5 (MANE Select); coding-DNA position 503, C replaced by G.
Protein change: p.Ala168Gly; replaces alanine 168 with glycine.
Molecular consequence: missense variant. On other transcripts: non-coding transcript variant (1).
Genome position (GRCh38, 1-based): chr7:92,454,569, C>G. VCF-style: chr7-92454569-C-G. GRCh37 (hg19) VCF-style: chr7-92083883-C-G.
Other names: c.503C>G (NM_021167.3); short protein forms A168G.
Identifiers: ClinVar variation 2758817 (VCV002758817.4), dbSNP rs187484662, ClinGen allele CA4340308.

ClinVar aggregate classification (germline): Uncertain significance. Review status: criteria provided, multiple submitters, no conflicts (2 of 4 stars). 2 submissions from 2 submitters: Uncertain significance (2). Last evaluated 2025-10-14.

Conditions:
Dilated cardiomyopathy 2B. Identifiers: Orphanet 154, MedGen C3553409, MONDO:0013848, OMIM 614672.
Cardiovascular phenotype. Identifiers: MedGen CN230736.

Allele frequency attached by ClinVar (database versions not stated): gnomAD exomes 0.00002; 1000 Genomes Project 30x 0.00016; 1000 Genomes Project 0.00020; TOPMed below 0.00001; ExAC 0.00002; gnomAD 0.00003.
gnomAD v4.1: 31 of 1,612,832 alleles (0.0019%); highest among the groups gnomAD compares: Non-Finnish European, 0.0022%; no homozygotes.

Submissions (2):

Labcorp Genetics (formerly Invitae), Labcorp
Classification: Uncertain significance for Dilated cardiomyopathy 2B. Last evaluated: 2025-10-14. Review status: criteria provided, single submitter. Criteria: Invitae Variant Classification Sherloc (09022015). Collection method: clinical testing. Allele origin: germline.
Comment: This sequence change replaces alanine, which is neutral and non-polar, with glycine, which is neutral and non-polar, at codon 168 of the GATAD1 protein (p.Ala168Gly). This variant is present in population databases (rs187484662, gnomAD 0.004%). This variant has not been reported in the literature in individuals affected with GATAD1-related conditions. ClinVar contains an entry for this variant (Variation ID: 2758817). Invitae Evidence Modeling of protein sequence and biophysical properties (such as structural, functional, and spatial information, amino acid conservation, physicochemical variation, residue mobility, and thermodynamic stability) indicates that this missense variant is not expected to disrupt GATAD1 protein function with a negative predictive value of 80%. In summary, the available evidence is currently insufficient to determine the role of this variant in disease. Therefore, it has been classified as a Variant of Uncertain Significance.

Ambry Genetics
Classification: Uncertain significance for Cardiovascular phenotype. Last evaluated: 2025-01-21. Review status: criteria provided, single submitter. Criteria: Ambry Variant Classification Scheme 2023. Collection method: clinical testing. Allele origin: germline.
Comment: The p.A168G variant (also known as c.503C>G), located in coding exon 4 of the GATAD1 gene, results from a C to G substitution at nucleotide position 503. The alanine at codon 168 is replaced by glycine, an amino acid with similar properties. This amino acid position is conserved. In addition, the in silico prediction for this alteration is inconclusive. Based on the available evidence, the clinical significance of this variant remains unclear.